The following is an entry in ClinVar:

NM_138694.4(PKHD1):c.3634dup (p.Thr1212fs)

Gene: PKHD1 (PKHD1 ciliary IPT domain containing fibrocystin/polyductin; minus strand). Cytogenetic location: 6p12.2.
Variant type: Duplication.
Coding change: c.3634dup on transcript NM_138694.4 (MANE Select); coding-DNA position 3634, one base duplicated (A; older notation c.3634dupA).
Protein change: p.Thr1212fs; shifts the reading frame from threonine 1212.
Molecular consequence: frameshift variant.
Genome position (GRCh38, 1-based): chr6:52,026,176, T duplicated on the plus strand (A on the coding strand, the reverse complement: PKHD1 is on the minus strand). VCF-style (leftmost placement, unchanged base first): chr6-52026175-G-GT. GRCh37 (hg19) VCF-style: chr6-51890973-G-GT.
Other names: c.3634dup, p.Thr1212fs (NM_170724.3); c.3634dupA (NM_138694.3); short protein forms T1212fs.
Identifiers: ClinVar variation 3240131 (VCV003240131.2), dbSNP rs2532744806.

ClinVar aggregate classification (germline): Likely pathogenic. Review status: criteria provided, multiple submitters, no conflicts (2 of 4 stars). 2 submissions from 2 submitters: Likely pathogenic (2). Last evaluated 2025-08-20.

Conditions:
Polycystic kidney disease 4 (PKD4). Also called: POLYCYSTIC KIDNEY DISEASE 4 WITH OR WITHOUT POLYCYSTIC LIVER DISEASE; PKD3; POLYCYSTIC KIDNEY AND HEPATIC DISEASE 1; POLYCYSTIC KIDNEY DISEASE, INFANTILE, TYPE I; Autosomal Recessive Polycystic Kidney Disease – PKHD1. Identifiers: MedGen C4540575, MONDO:0033004, OMIM 263200.
Autosomal recessive polycystic kidney disease (ARPKD). Also called: AR polycystic kidney disease. Identifiers: Orphanet 731, Orphanet 8378, MedGen C0085548, MeSH D017044, MONDO:0009889.

Submissions (2):

Natera, Inc.
Classification: Likely pathogenic for Autosomal recessive polycystic kidney disease. Last evaluated: 2025-08-20. Review status: criteria provided, single submitter. Criteria: Natera Variant Classification Schema (03/2026). Collection method: clinical testing. Allele origin: germline.
Comment: The c.3634dupA variant in PKHD1 is a frameshift variant predicted to shift the reading frame beginning at codon 1212 and leads to a stop codon 27 codons downstream. This variant is expected to result in nonsense mediated decay, truncation, or a dysfunctional protein product. This variant is rare in the general population with a frequency below the threshold expected for the associated phenotype(s). Given the available evidence, this variant is classified as Likely Pathogenic.

Baylor Genetics
Classification: Likely pathogenic for Polycystic kidney disease 4. Last evaluated: 2024-03-02. Review status: criteria provided, single submitter. Criteria: ACMG Guidelines, 2015. Collection method: clinical testing. Allele origin: unknown.